The following is an entry in ClinVar:

ClinVar aggregate classification (germline): Uncertain significance (1 of 4 stars; one submission).

Conditions:
Inborn genetic diseases. Identifiers: MedGen C0950123, MeSH D030342.

Submission:

Ambry Genetics
Classification: Uncertain significance for Inborn genetic diseases. Last evaluated: 2024-10-27. Review status: criteria provided, single submitter. Criteria: Ambry Variant Classification Scheme 2023. Collection method: clinical testing. Allele origin: germline.
Comment: The p.D799A variant (also known as c.2396A>C), located in coding exon 15 of the CDH2 gene, results from an A to C substitution at nucleotide position 2396. The aspartic acid at codon 799 is replaced by alanine, an amino acid with dissimilar properties. This amino acid position is conserved. In addition, this alteration is predicted to be deleterious by in silico analysis. Based on the available evidence, the clinical significance of this variant remains unclear.

NM_001792.5(CDH2):c.2396A>C (p.Asp799Ala)

Genes: CDH2 (cadherin 2; minus strand), CDH2-AS1 (CDH2 antisense RNA 1; plus strand). Cytogenetic location: 18q12.1.
Variant type: single nucleotide variant.
Coding change: c.2396A>C on transcript NM_001792.5 (MANE Select); coding-DNA position 2396, A replaced by C.
Protein change: p.Asp799Ala; replaces aspartic acid 799 with alanine.
Molecular consequence: missense variant.
Genome position (GRCh38, 1-based): chr18:27,963,475, T>G on the plus strand (A>C on the coding strand, the complement: CDH2 is on the minus strand). VCF-style: chr18-27963475-T-G. GRCh37 (hg19) VCF-style: chr18-25543439-T-G.
Other names: c.2303A>C, p.Asp768Ala (NM_001308176.2); short protein forms D799A, D768A.
Identifiers: ClinVar variation 3488856 (VCV003488856.1).